The following is an entry in ClinVar:

ClinVar aggregate classification (germline): Uncertain significance (1 of 4 stars; one submission).

Conditions:
Intellectual developmental disorder, X-linked 1. Also called: Atkin Flaitz Patil Smith syndrome; Intellectual disability, X-linked 1; MENTAL RETARDATION, X-LINKED 18; MENTAL RETARDATION, X-LINKED 78. Identifiers: Orphanet 777, MedGen C2931498, MONDO:0010656, OMIM 309530.

Submission:

Labcorp Genetics (formerly Invitae), Labcorp
Classification: Uncertain significance for Intellectual developmental disorder, X-linked 1. Last evaluated: 2023-05-20. Review status: criteria provided, single submitter. Criteria: Invitae Variant Classification Sherloc (09022015). Collection method: clinical testing. Allele origin: germline.
Comment: In summary, the available evidence is currently insufficient to determine the role of this variant in disease. Therefore, it has been classified as a Variant of Uncertain Significance. Algorithms developed to predict the effect of sequence changes on RNA splicing suggest that this variant may create or strengthen a splice site. This variant has not been reported in the literature in individuals affected with IQSEC2-related conditions. This variant is not present in population databases (gnomAD no frequency). This sequence change affects codon 981 of the IQSEC2 mRNA. It is a 'silent' change, meaning that it does not change the encoded amino acid sequence of the IQSEC2 protein.

NM_001111125.3(IQSEC2):c.2943G>A (p.Val981=)

Gene: IQSEC2 (IQ motif and Sec7 domain ArfGEF 2; minus strand). Cytogenetic location: Xp11.22.
Variant type: single nucleotide variant.
Coding change: c.2943G>A on transcript NM_001111125.3 (MANE Select); coding-DNA position 2943, G replaced by A.
Protein change: p.Val981=; no amino-acid change (valine 981 retained).
Molecular consequence: synonymous variant.
Genome position (GRCh38, 1-based): chrX:53,241,856, C>T on the plus strand (G>A on the coding strand, the complement: IQSEC2 is on the minus strand). VCF-style: chrX-53241856-C-T. GRCh37 (hg19) VCF-style: chrX-53271038-C-T.
Other names: c.2943G>A, p.Val981= (NM_001410736.1); c.2328G>A, p.Val776= (NM_015075.2).
Identifiers: ClinVar variation 2866178 (VCV002866178.3), dbSNP rs2519732515, ClinGen allele CA516425011.